The following is an entry in ClinVar:

ClinVar aggregate classification (germline): Uncertain significance. Review status: criteria provided, multiple submitters, no conflicts (2 of 4 stars). 2 submissions from 2 submitters: Uncertain significance (2). Last evaluated 2026-07-15.

Conditions:
Inborn genetic diseases. Identifiers: MedGen C0950123, MeSH D030342.

Allele frequency attached by ClinVar (database versions not stated): gnomAD exomes below 0.00001.
gnomAD v4.1: 1 of 1,614,112 alleles (0.000062%); highest among the groups gnomAD compares: Non-Finnish European, 0.000085%; no homozygotes.

Submissions (2):

Ambry Genetics
Classification: Uncertain significance for Inborn genetic diseases. Last evaluated: 2026-07-15. Review status: criteria provided, single submitter. Criteria: Ambry Variant Classification Scheme 2023. Collection method: clinical testing. Allele origin: germline.
Comment: The c.2297G>A (p.R766H) alteration is located in exon 17 (coding exon 17) of the ATP1A1 gene. This alteration results from a G to A substitution at nucleotide position 2297, causing the arginine (R) at amino acid position 766 to be replaced by a histidine (H). This variant was not reported in population-based cohorts in the Genome Aggregation Database (gnomAD). This amino acid position is highly conserved in available vertebrate species. This missense variant is located in a region that has a low rate of benign missense variation (Lek, 2016; Firth, 2009). This alteration is predicted to be deleterious by in silico analysis. Based on insufficient or conflicting evidence, the clinical significance of this alteration remains unclear.

Labcorp Genetics (formerly Invitae), Labcorp
Classification: Uncertain significance. Last evaluated: 2022-08-11. Review status: criteria provided, single submitter. Criteria: Invitae Variant Classification Sherloc (09022015). Collection method: clinical testing. Allele origin: germline.
Comment: This sequence change replaces arginine, which is basic and polar, with histidine, which is basic and polar, at codon 766 of the ATP1A1 protein (p.Arg766His). This variant is not present in population databases (gnomAD no frequency). This variant has not been reported in the literature in individuals affected with ATP1A1-related conditions. Advanced modeling of protein sequence and biophysical properties (such as structural, functional, and spatial information, amino acid conservation, physicochemical variation, residue mobility, and thermodynamic stability) performed at Invitae indicates that this missense variant is expected to disrupt ATP1A1 protein function. In summary, the available evidence is currently insufficient to determine the role of this variant in disease. Therefore, it has been classified as a Variant of Uncertain Significance.

NM_000701.8(ATP1A1):c.2297G>A (p.Arg766His)

Genes: ATP1A1 (ATPase Na+/K+ transporting subunit alpha 1; plus strand), ATP1A1-AS1 (ATP1A1 antisense RNA 1; minus strand). Cytogenetic location: 1p13.1.
Variant type: single nucleotide variant.
Coding change: c.2297G>A on transcript NM_000701.8 (MANE Select); coding-DNA position 2297, G replaced by A.
Protein change: p.Arg766His; replaces arginine 766 with histidine.
Molecular consequence: missense variant.
Genome position (GRCh38, 1-based): chr1:116,398,933, G>A. VCF-style: chr1-116398933-G-A. GRCh37 (hg19) VCF-style: chr1-116941555-G-A.
Other names: c.2297G>A (NM_001160233.1); c.2297G>A, p.Arg766His (NM_001160233.2); c.2204G>A, p.Arg735His (NM_001160234.2); short protein forms R735H, R766H.
Identifiers: ClinVar variation 1930219 (VCV001930219.6), dbSNP rs956023678, ClinGen allele CA29665573.
Genomic context (GRCh38, chr1:116,398,933, plus strand): 5'-TCAGTTTCCAGTGTGCTTGTCTCATAAGCTAACAGTAAAAAATCTTGGTTTTCATAGGTC[G>A]TCTGATCTTTGATAACTTGAAGAAATCCATTGCTTATACCTTAACCAGTAACATTCCCGA-3'
Protein context (NP_000692.2, residues 756-776): ASIVTGVEEG[Arg766His]LIFDNLKKSI